The following is an entry in ClinVar:

NM_001165963.4(SCN1A):c.694+5G>A

Gene: SCN1A (sodium voltage-gated channel alpha subunit 1; minus strand). Cytogenetic location: 2q24.3.
Variant type: single nucleotide variant.
Coding change: c.694+5G>A on transcript NM_001165963.4 (MANE Select); 5 bases into the intron after coding-DNA position 694, G replaced by A.
Molecular consequence: intron variant.
Genome position (GRCh38, 1-based): chr2:166,052,847, C>T on the plus strand (G>A on the coding strand, the complement: SCN1A is on the minus strand). VCF-style: chr2-166052847-C-T. GRCh37 (hg19) VCF-style: chr2-166909357-C-T.
Other names: c.694+5G>A (NM_001353949.2, NM_001353958.2, NM_001353950.2 and 10 more transcripts); c.-1732+5G>A (NM_001353961.2).
Identifiers: ClinVar variation 847623 (VCV000847623.10), dbSNP rs727504142, ClinGen allele CA916082237.

ClinVar aggregate classification (germline): Pathogenic (1 of 4 stars; one submission).

Conditions:
Early-infantile DEE. Also called: Ohtahara syndrome; Early infantile epileptic encephalopathy with suppression bursts; Early infantile epileptic encephalopathy. Identifiers: Orphanet 1934, MedGen C0393706, MONDO:0800491.

Submission:

Labcorp Genetics (formerly Invitae), Labcorp
Classification: Pathogenic for Early-infantile DEE. Last evaluated: 2022-08-09. Review status: criteria provided, single submitter. Criteria: Invitae Variant Classification Sherloc (09022015). Collection method: clinical testing. Allele origin: germline.
Comment: This sequence change falls in intron 5 of the SCN1A gene. It does not directly change the encoded amino acid sequence of the SCN1A protein. It affects a nucleotide within the consensus splice site. This variant is not present in population databases (gnomAD no frequency). This variant has been observed in individual(s) with early-onset seizures (Invitae). In at least one individual the variant was observed to be de novo. ClinVar contains an entry for this variant (Variation ID: 847623). Variants that disrupt the consensus splice site are a relatively common cause of aberrant splicing (PMID: 17576681, 9536098). Algorithms developed to predict the effect of sequence changes on RNA splicing suggest that this variant may create or strengthen a splice site. For these reasons, this variant has been classified as Pathogenic.

Literature cited by the submitters: PubMed 17576681; PubMed 9536098.